The following is an entry in ClinVar:

ClinVar aggregate classification (germline): Likely benign. Review status: criteria provided, multiple submitters, no conflicts (2 of 4 stars). 2 submissions from 2 submitters: Likely benign (2). Last evaluated 2026-04-14.

Conditions:
SPG11-related disorder. Also called: SPG11-related condition.
Hereditary spastic paraplegia 11. Also called: Spastic paraplegia, mental retardation and thin corpus callosum; Spastic Paraplegia 11; SPASTIC PARAPLEGIA, AUTOSOMAL RECESSIVE, COMPLICATED, WITH THIN CORPUS CALLOSUM; SPASTIC PARAPLEGIA, AUTOSOMAL RECESSIVE, WITH MENTAL IMPAIRMENT AND THIN CORPUS CALLOSUM; Nakamura Osame syndrome; Autosomal recessive hereditary spastic paraplegia, mental impairment, and thin corpus callosum. Identifiers: Orphanet 2822, MedGen C1858479, MONDO:0011445, OMIM 604360.

Allele frequency attached by ClinVar (database versions not stated): gnomAD exomes 0.00001 and 0.00003; ExAC 0.00003; ESP Exome Variant Server 0.00008; TOPMed 0.00010; gnomAD 0.00011.
gnomAD v4.1: 24 of 1,613,926 alleles (0.0015%); highest among the groups gnomAD compares: African/African-American, 0.031%; no homozygotes.

Submissions (2):

PreventionGenetics, part of Exact Sciences
Classification: Likely benign for SPG11-related condition. Last evaluated: 2026-04-14. Review status: criteria provided, single submitter. Criteria: ACMG Guidelines, 2015. Collection method: clinical testing. Allele origin: germline.
Comment: This variant is classified as likely benign based on ACMG/AMP sequence variant interpretation guidelines (Richards et al. 2015 PMID: 25741868, with internal and published modifications).

Labcorp Genetics (formerly Invitae), Labcorp
Classification: Likely benign for Hereditary spastic paraplegia 11. Last evaluated: 2025-04-10. Review status: criteria provided, single submitter. Criteria: Invitae Variant Classification Sherloc (09022015). Collection method: clinical testing. Allele origin: germline.

NM_025137.4(SPG11):c.1869G>A (p.Lys623=)

Gene: SPG11 (SPG11 vesicle trafficking associated, spatacsin; minus strand). Cytogenetic location: 15q21.1.
Variant type: single nucleotide variant.
Coding change: c.1869G>A on transcript NM_025137.4 (MANE Select); coding-DNA position 1869, G replaced by A.
Protein change: p.Lys623=; no amino-acid change (lysine 623 retained).
Molecular consequence: synonymous variant.
Genome position (GRCh38, 1-based): chr15:44,629,255, C>T on the plus strand (G>A on the coding strand, the complement: SPG11 is on the minus strand). VCF-style: chr15-44629255-C-T. GRCh37 (hg19) VCF-style: chr15-44921453-C-T.
Other names: c.1869G>A, p.Lys623= (NM_001160227.2).
Identifiers: ClinVar variation 699754 (VCV000699754.11), dbSNP rs374873830, ClinGen allele CA7535425.